The following is an entry in ClinVar:

ClinVar aggregate classification (germline): Likely benign (0 of 4 stars; one submission).

Conditions:
FEZF1-related disorder. Also called: FEZF1-related condition.

Allele frequency attached by ClinVar (database versions not stated): gnomAD exomes 0.00001; ExAC 0.00001.
gnomAD v4.1: 3 of 1,614,220 alleles (0.00019%); highest among the groups gnomAD compares: Non-Finnish European, 0.00025%; no homozygotes.

Submission:

PreventionGenetics, part of Exact Sciences
Classification: Likely benign for FEZF1-related condition. Last evaluated: 2019-02-28. Review status: no assertion criteria provided. Collection method: clinical testing. Allele origin: germline.
Comment: This variant is classified as likely benign based on ACMG/AMP sequence variant interpretation guidelines (Richards et al. 2015 PMID: 25741868, with internal and published modifications).

NM_001024613.4(FEZF1):c.735C>G (p.Thr245=)

Genes: FEZF1 (FEZ family zinc finger 1; minus strand), FEZF1-AS1 (FEZF1 antisense RNA 1; plus strand). Cytogenetic location: 7q31.32.
Variant type: single nucleotide variant.
Coding change: c.735C>G on transcript NM_001024613.4 (MANE Select); coding-DNA position 735, C replaced by G.
Protein change: p.Thr245=; no amino-acid change (threonine 245 retained).
Molecular consequence: synonymous variant. On other transcripts: non-coding transcript variant (1).
Genome position (GRCh38, 1-based): chr7:122,303,703, G>C on the plus strand (C>G on the coding strand, the complement: FEZF1 is on the minus strand). VCF-style: chr7-122303703-G-C. GRCh37 (hg19) VCF-style: chr7-121943757-G-C.
Other names: c.585C>G, p.Thr195= (NM_001160264.3).
Identifiers: ClinVar variation 3058729 (VCV003058729.2), dbSNP rs756663519, ClinGen allele CA4458942.
Genomic context (GRCh38, chr7:122,303,703, plus strand): 5'-ACACACTTCGCAAGTGAAAACTTTGGGCTTGGCATTAGGAGAGCCTCGGCTGAAATCCGA[G>C]GTTTTGAACGCGATTTTTTCCGACAGAAGCTGGGCGCTTTCTTTCATGTAATGCTGCAGC-3'
Protein context (NP_001019784.2, residues 235-255): QLLSEKIAFK[Thr245=]SDFSRGSPNA